The following is an entry in ClinVar:

ClinVar aggregate classification (germline): Uncertain significance (1 of 4 stars; one submission).

Conditions:
Aicardi-Goutieres syndrome 6 (AGS6). Identifiers: Orphanet 51, MedGen C3539013, MONDO:0014007, OMIM 615010.
Symmetrical dyschromatosis of extremities (DSH). Also called: Dyschromatosis symmetrica hereditaria; DYSCHROMATOSIS SYMMETRICA HEREDITARIA 1; RETICULATE ACROPIGMENTATION OF DOHI; SYMMETRIC DYSCHROMATOSIS OF THE EXTREMITIES. Identifiers: Orphanet 41, MedGen C0406775, MONDO:0007483, OMIM 127400.

Submission:

Labcorp Genetics (formerly Invitae), Labcorp
Classification: Uncertain significance for Aicardi-Goutieres syndrome 6; Symmetrical dyschromatosis of extremities. Last evaluated: 2021-05-01. Review status: criteria provided, single submitter. Criteria: Invitae Variant Classification Sherloc (09022015). Collection method: clinical testing. Allele origin: germline.
Comment: This variant is not present in population databases (ExAC no frequency). This variant has not been reported in the literature in individuals with ADAR-related conditions. Algorithms developed to predict the effect of sequence changes on RNA splicing suggest that this variant may disrupt the consensus splice site, but this prediction has not been confirmed by published transcriptional studies. In summary, the available evidence is currently insufficient to determine the role of this variant in disease. Therefore, it has been classified as a Variant of Uncertain Significance. This sequence change falls in intron 9 of the ADAR gene. It does not directly change the encoded amino acid sequence of the ADAR protein.

NM_001111.5(ADAR):c.2763-10_2763-7del

Gene: ADAR (adenosine deaminase RNA specific; minus strand). Cytogenetic location: 1q21.3.
Variant type: Microsatellite.
Coding change: c.2763-10_2763-7del on transcript NM_001111.5 (MANE Select); 10 bases into the intron before coding-DNA position 2763 through 7 bases into the intron before coding-DNA position 2763, 4 bases deleted (CTTT; older notation c.2763-10_2763-7delCTTT).
Molecular consequence: intron variant.
Genome position (GRCh38, 1-based): chr1:154,588,680-154,588,683, AAAG deleted on the plus strand (CTTT on the coding strand, the reverse complement: ADAR is on the minus strand); deleting any 4 consecutive bases within chr1:154,588,680-154,588,687 gives the same sequence; the c. name uses the placement nearest the transcript's 3' end. VCF-style (leftmost placement, unchanged base first): chr1-154588679-AAAAG-A. GRCh37 (hg19) VCF-style: chr1-154561155-AAAAG-A.
Other names: c.1878-10_1878-7del (NM_001365046.1, NM_001025107.3, NM_001365048.1 and 2 more transcripts); c.2790-10_2790-7del (NM_001365045.1); c.1800-10_1800-7del (NM_001365049.1); c.2628-10_2628-7del (NM_015841.4); c.2685-10_2685-7del (NM_015840.4).
Identifiers: ClinVar variation 1392323 (VCV001392323.8), dbSNP rs2101579220, ClinGen allele CA2573912532.
Genomic context (GRCh38, chr1:154,588,679, plus strand): 5'-TATACTATCCTTCGCAGTCTGGGAGTTGTATTTCATTAACTCACTGTAGAGAAACCTACA[AAAAG>A]AAAGTCTGGTTAGGAAGGCAGGTTCAATTCTGGGAAAAGCAGTTGTTTCTATAATCTGAC-3'